The following is an entry in ClinVar:

ClinVar aggregate classification (germline): Uncertain significance. Review status: criteria provided, multiple submitters, no conflicts (2 of 4 stars). 3 submissions from 3 submitters: Uncertain significance (3). Last evaluated 2025-05-26.

Conditions:
Familial thoracic aortic aneurysm and aortic dissection (TAAD). Also called: Thoracic aortic aneurysms and dissections. Identifiers: Orphanet 91387, MedGen C4707243, MONDO:0019625.
Marfan syndrome (MFS). Also called: Marfan syndrome type 1; Marfan's syndrome; FBN1-Related Marfan Syndrome; MARFAN SYNDROME, TYPE I; Marfan syndrome, classic. Identifiers: Orphanet 284963, Orphanet 558, MedGen C0024796, MONDO:0007947, OMIM 154700.

Allele frequency attached by ClinVar (database versions not stated): gnomAD exomes below 0.00001.
gnomAD v4.1: 2 of 1,614,178 alleles (0.00012%); highest among the groups gnomAD compares: Non-Finnish European, 0.00017%; no homozygotes.

Submissions (3):

Labcorp Genetics (formerly Invitae), Labcorp
Classification: Uncertain significance for Marfan syndrome; Familial thoracic aortic aneurysm and aortic dissection. Last evaluated: 2025-05-26. Review status: criteria provided, single submitter. Criteria: Invitae Variant Classification Sherloc (09022015). Collection method: clinical testing. Allele origin: germline.
Comment: This sequence change replaces proline, which is neutral and non-polar, with leucine, which is neutral and non-polar, at codon 2379 of the FBN1 protein (p.Pro2379Leu). This variant is present in population databases (no rsID available, gnomAD 0.0009%). This variant has not been reported in the literature in individuals affected with FBN1-related conditions. ClinVar contains an entry for this variant (Variation ID: 1331990). Invitae Evidence Modeling of protein sequence and biophysical properties (such as structural, functional, and spatial information, amino acid conservation, physicochemical variation, residue mobility, and thermodynamic stability) indicates that this missense variant is expected to disrupt FBN1 protein function with a positive predictive value of 95%. In summary, the available evidence is currently insufficient to determine the role of this variant in disease. Therefore, it has been classified as a Variant of Uncertain Significance.

All of Us Research Program, National Institutes of Health
Classification: Uncertain significance for Marfan syndrome. Last evaluated: 2023-08-14. Review status: criteria provided, single submitter. Criteria: ACMG Guidelines, 2015. Collection method: clinical testing. Allele origin: germline. Inheritance: Autosomal dominant inheritance. Observed: 1 variant allele, 1 heterozygote.
Comment: This missense variant replaces proline with leucine at codon 2379 of the FBN1 protein. Computational prediction suggests that this variant may have deleterious impact on protein structure and function (internally defined REVEL score threshold >= 0.7, PMID: 27666373). To our knowledge, functional studies have not been reported for this variant. This variant has not been reported in individuals affected with cardiovascular disorders in the literature. This variant has been identified in 1/250962 chromosomes in the general population by the Genome Aggregation Database (gnomAD). The available evidence is insufficient to determine the role of this variant in disease conclusively. Therefore, this variant is classified as a Variant of Uncertain Significance.

This study involves interpretation of variants in research participants for the purpose of population health screening. Participant phenotype was not available at the time of variant classification. Additional details can be found in publication PMID: 35346344, PMCID: PMC8962531

Color Diagnostics, LLC DBA Color Health
Classification: Uncertain significance for Familial thoracic aortic aneurysm and aortic dissection. Last evaluated: 2021-03-22. Review status: criteria provided, single submitter. Criteria: ACMG Guidelines, 2015. Collection method: clinical testing. Allele origin: germline.
Comment: This missense variant replaces proline with leucine at codon 2379 of the FBN1 protein. Computational prediction suggests that this variant may have deleterious impact on protein structure and function (internally defined REVEL score threshold >= 0.7, PMID: 27666373). To our knowledge, functional studies have not been reported for this variant. This variant has not been reported in individuals affected with cardiovascular disorders in the literature. This variant has been identified in 1/250962 chromosomes in the general population by the Genome Aggregation Database (gnomAD). The available evidence is insufficient to determine the role of this variant in disease conclusively. Therefore, this variant is classified as a Variant of Uncertain Significance.

NM_000138.5(FBN1):c.7136C>T (p.Pro2379Leu)

Gene: FBN1 (fibrillin 1; minus strand). Cytogenetic location: 15q21.1.
Variant type: single nucleotide variant.
Coding change: c.7136C>T on transcript NM_000138.5 (MANE Select); coding-DNA position 7136, C replaced by T.
Protein change: p.Pro2379Leu; replaces proline 2379 with leucine.
Molecular consequence: missense variant.
Genome position (GRCh38, 1-based): chr15:48,427,635, G>A on the plus strand (C>T on the coding strand, the complement: FBN1 is on the minus strand). VCF-style: chr15-48427635-G-A. GRCh37 (hg19) VCF-style: chr15-48719832-G-A.
Other names: short protein forms P2379L.
Identifiers: ClinVar variation 1331990 (VCV001331990.4), dbSNP rs1295154212, ClinGen allele CA392329531.